The following is an entry in ClinVar:

NM_006415.4(SPTLC1):c.292A>G (p.Lys98Glu)

Gene: SPTLC1 (serine palmitoyltransferase long chain base subunit 1; minus strand). Cytogenetic location: 9q22.31.
Variant type: single nucleotide variant.
Coding change: c.292A>G on transcript NM_006415.4 (MANE Select); coding-DNA position 292, A replaced by G.
Protein change: p.Lys98Glu; replaces lysine 98 with glutamic acid.
Molecular consequence: missense variant. On other transcripts: 5 prime UTR variant (2).
Genome position (GRCh38, 1-based): chr9:92,080,932, T>C on the plus strand (A>G on the coding strand, the complement: SPTLC1 is on the minus strand). VCF-style: chr9-92080932-T-C. GRCh37 (hg19) VCF-style: chr9-94843214-T-C.
Other names: c.292A>G, p.Lys98Glu (NM_001281303.2, NM_178324.3); c.-208A>G (NM_001368272.1); c.-174A>G (NM_001368273.1); short protein forms K98E.
Identifiers: ClinVar variation 4890892 (VCV004890892.1).

ClinVar aggregate classification (germline): Uncertain significance (1 of 4 stars; one submission).

Conditions:
Charcot-Marie-Tooth disease. Also called: Charcot-Marie-Tooth Hereditary Neuropathy; Charcot-Marie-Tooth Neuropathy. Identifiers: Orphanet 166, MedGen C0007959, MONDO:0015626.

Submission:

Clinical Genetics Laboratory, Skane University Hospital Lund
Classification: Uncertain significance for Charcot-Marie-Tooth disease. Last evaluated: 2026-07-14. Review status: criteria provided, single submitter. Criteria: ACMG Guidelines, 2015. Collection method: clinical testing. Allele origin: germline. Affected: yes.
Comment: ACMG criteria used: PM2, PP3.